The following is an entry in ClinVar:

ClinVar aggregate classification (germline): Likely benign (1 of 4 stars; one submission).

Allele frequency attached by ClinVar (database versions not stated): 1000 Genomes Project 0.00060; 1000 Genomes Project 30x 0.00062.
gnomAD v4.1: 678 of 1,582,252 alleles (0.043%); highest among the groups gnomAD compares: Admixed American, 0.074%; 85 homozygotes.

Submission:

CeGaT Center for Human Genetics Tuebingen
Classification: Likely benign. Last evaluated: 2024-06-01. Review status: criteria provided, single submitter. Criteria: CeGaT Center For Human Genetics Tuebingen Variant Classification Criteria Version 2. Collection method: clinical testing. Allele origin: germline. Affected: yes. Observed: 4 variant alleles.
Comment: AHNAK2: BP4, BP7, BS2

NM_138420.4(AHNAK2):c.4950G>C (p.Ala1650=)

Gene: AHNAK2 (AHNAK nucleoprotein 2; minus strand). Cytogenetic location: 14q32.33.
Variant type: single nucleotide variant.
Coding change: c.4950G>C on transcript NM_138420.4 (MANE Select); coding-DNA position 4950, G replaced by C.
Protein change: p.Ala1650=; no amino-acid change (alanine 1650 retained).
Molecular consequence: synonymous variant.
Genome position (GRCh38, 1-based): chr14:104,950,501, C>G on the plus strand (G>C on the coding strand, the complement: AHNAK2 is on the minus strand). VCF-style: chr14-104950501-C-G. GRCh37 (hg19) VCF-style: chr14-105416838-C-G.
Other names: c.4650G>C, p.Ala1550= (NM_001350929.2).
Identifiers: ClinVar variation 2644814 (VCV002644814.24), dbSNP rs180896416, ClinGen allele CA7382105.